The following is an entry in ClinVar:

NM_001377.3(DYNC2H1):c.2340_2341del (p.Tyr781fs)

Gene: DYNC2H1 (dynein cytoplasmic 2 heavy chain 1; plus strand). Cytogenetic location: 11q22.3.
Variant type: Deletion.
Coding change: c.2340_2341del on transcript NM_001377.3 (MANE Select); coding-DNA positions 2340 to 2341, 2 bases deleted (TT; older notation c.2340_2341delTT).
Protein change: p.Tyr781fs; shifts the reading frame from tyrosine 781.
Molecular consequence: frameshift variant.
Genome position (GRCh38, 1-based): chr11:103,135,629-103,135,630, TT deleted. VCF-style (leftmost placement, unchanged base first): chr11-103135628-CTT-C. GRCh37 (hg19) VCF-style: chr11-103006357-CTT-C.
Other names: c.2340_2341del, p.Tyr781fs (NM_001080463.2); short protein forms Y781fs.
Identifiers: ClinVar variation 5016018 (VCV005016018.1).

ClinVar aggregate classification (germline): Pathogenic (1 of 4 stars; one submission).

Conditions:
Asphyxiating thoracic dystrophy 3. Also called: SHORT-RIB THORACIC DYSPLASIA 3 WITH OR WITHOUT POLYDACTYLY; POLYDACTYLY WITH NEONATAL CHONDRODYSTROPHY, TYPE I; SHORT-RIB THORACIC DYSPLASIA 3/6 WITH POLYDACTYLY, DIGENIC; Short rib polydactyly syndrome 2B; Saldino-Noonan Syndrome. Identifiers: Orphanet 474, Orphanet 93269, Orphanet 93270, Orphanet 93271, MedGen C0036069, MONDO:0013127, OMIM 613091.

Submission:

Myriad Genetics, Inc.
Classification: Pathogenic for Asphyxiating thoracic dystrophy 3. Last evaluated: 2026-06-10. Review status: criteria provided, single submitter. Criteria: Myriad Autosomal Dominant, Autosomal Recessive and X-Linked Classification Criteria (2023). Collection method: clinical testing. Allele origin: unknown.
Comment: NM_001377.2(DYNC2H1):c.2340_2341delTT(Y781Qfs*12) is expected to be pathogenic in the context of DYNC2H1-related disorders. This variant is predicted to lead to an abnormal or absent protein product due to the creation of a premature termination codon in DYNC2H1, a gene where loss-of-function variants are known to be pathogenic. Please note: this variant was assessed in the context of healthy population screening.